The following is an entry in ClinVar:

NM_017534.6(MYH2):c.4972-2A>T

Genes: MYHAS (myosin heavy chain gene cluster antisense RNA; plus strand), MYH2 (myosin heavy chain 2; minus strand), LOC126862500 (BRD4-independent group 4 enhancer GRCh37_chr17:10427829-10429028; plus strand). Cytogenetic location: 17p13.1.
Variant type: single nucleotide variant.
Coding change: c.4972-2A>T on transcript NM_017534.6 (MANE Select); the canonical splice acceptor site of the intron before coding-DNA position 4972, A replaced by T.
Molecular consequence: splice acceptor variant.
Genome position (GRCh38, 1-based): chr17:10,524,671, T>A on the plus strand (A>T on the coding strand, the complement: MYH2 is on the minus strand). VCF-style: chr17-10524671-T-A. GRCh37 (hg19) VCF-style: chr17-10427988-T-A.
Other names: c.4972-2A>T (NM_001100112.2).
Identifiers: ClinVar variation 1066199 (VCV001066199.5), dbSNP rs201790813, ClinGen allele CA398120304.

ClinVar aggregate classification (germline): Likely pathogenic (1 of 4 stars; one submission).

Conditions:
Myopathy, proximal, and ophthalmoplegia (CMYO6). Also called: MYOPATHY WITH CONGENITAL JOINT CONTRACTURES, OPHTHALMOPLEGIA, AND RIMMED VACUOLES; CONGENITAL MYOPATHY 6 WITH OPHTHALMOPLEGIA; INCLUSION BODY MYOPATHY 3, AUTOSOMAL DOMINANT. Identifiers: Orphanet 363677, Orphanet 79091, MedGen C1854106, MONDO:0011577, OMIM 605637.

Submission:

Labcorp Genetics (formerly Invitae), Labcorp
Classification: Likely pathogenic for Myopathy, proximal, and ophthalmoplegia. Last evaluated: 2022-02-05. Review status: criteria provided, single submitter. Criteria: Invitae Variant Classification Sherloc (09022015). Collection method: clinical testing. Allele origin: germline.
Comment: In summary, the currently available evidence indicates that the variant is pathogenic, but additional data are needed to prove that conclusively. Therefore, this variant has been classified as Likely Pathogenic. Algorithms developed to predict the effect of sequence changes on RNA splicing suggest that this variant may disrupt the consensus splice site. This sequence change affects an acceptor splice site in intron 34 of the MYH2 gene. It is expected to disrupt RNA splicing. Variants that disrupt the donor or acceptor splice site typically lead to a loss of protein function (PMID: 16199547), and loss-of-function variants in MYH2 are known to be pathogenic (PMID: 20418530, 23388406, 24193343). This variant is not present in population databases (gnomAD no frequency). This variant has not been reported in the literature in individuals affected with MYH2-related conditions. ClinVar contains an entry for this variant (Variation ID: 1066199).

Literature cited by the submitters: PubMed 16199547; PubMed 20418530; PubMed 23388406; PubMed 24193343.